The following is an entry in ClinVar:

NM_000245.4(MET):c.411C>A (p.Asn137Lys)

Gene: MET (MET proto-oncogene, receptor tyrosine kinase; plus strand). Cytogenetic location: 7q31.2.
Variant type: single nucleotide variant.
Coding change: c.411C>A on transcript NM_000245.4 (MANE Select); coding-DNA position 411, C replaced by A.
Protein change: p.Asn137Lys; replaces asparagine 137 with lysine.
Molecular consequence: missense variant. On other transcripts: intron variant (1).
Genome position (GRCh38, 1-based): chr7:116,699,495, C>A. VCF-style: chr7-116699495-C-A. GRCh37 (hg19) VCF-style: chr7-116339549-C-A.
Other names: c.411C>A, p.Asn137Lys (NM_001127500.3, NM_001324401.3); c.-91+26918C>A (NM_001324402.2); short protein forms N137K.
Identifiers: ClinVar variation 3632354 (VCV003632354.2).

ClinVar aggregate classification (germline): Uncertain significance (1 of 4 stars; one submission).

Conditions:
Renal cell carcinoma. Identifiers: Orphanet 217071, MedGen C0007134, MeSH D002292, MONDO:0005086, HP:0005584.

Submission:

Labcorp Genetics (formerly Invitae), Labcorp
Classification: Uncertain significance for Renal cell carcinoma. Last evaluated: 2024-06-25. Review status: criteria provided, single submitter. Criteria: Invitae Variant Classification Sherloc (09022015). Collection method: clinical testing. Allele origin: germline.
Comment: This sequence change replaces asparagine, which is neutral and polar, with lysine, which is basic and polar, at codon 137 of the MET protein (p.Asn137Lys). This variant is not present in population databases (gnomAD no frequency). This variant has not been reported in the literature in individuals affected with MET-related conditions. Advanced modeling of protein sequence and biophysical properties (such as structural, functional, and spatial information, amino acid conservation, physicochemical variation, residue mobility, and thermodynamic stability) performed at Invitae indicates that this missense variant is not expected to disrupt MET protein function with a negative predictive value of 80%. In summary, the available evidence is currently insufficient to determine the role of this variant in disease. Therefore, it has been classified as a Variant of Uncertain Significance.